The following is an entry in ClinVar:

NM_004408.4(DNM1):c.2351G>A (p.Arg784Gln)

Genes: DNM1 (dynamin 1; plus strand), LOC130002698 (ATAC-STARR-seq lymphoblastoid silent region 20332; plus strand). Cytogenetic location: 9q34.11.
Variant type: single nucleotide variant.
Coding change: c.2351G>A on transcript NM_004408.4 (MANE Select); coding-DNA position 2351, G replaced by A.
Protein change: p.Arg784Gln; replaces arginine 784 with glutamine.
Molecular consequence: missense variant.
Genome position (GRCh38, 1-based): chr9:128,250,757, G>A. VCF-style: chr9-128250757-G-A. GRCh37 (hg19) VCF-style: chr9-131013036-G-A.
Other names: c.2351G>A, p.Arg784Gln (NM_001005336.3, NM_001288737.2, NM_001288738.2 and 2 more transcripts); short protein forms R784Q.
Identifiers: ClinVar variation 3681128 (VCV003681128.2).

ClinVar aggregate classification (germline): Uncertain significance (1 of 4 stars; one submission).

Conditions:
Developmental and epileptic encephalopathy, 31A. Also called: Epileptic encephalopathy, early infantile, 31; Developmental and epileptic encephalopathy, 31. Identifiers: Orphanet 2382, MedGen C4225357, MONDO:0014598, OMIM 616346.

gnomAD v4.1: 2 of 1,425,034 alleles (0.00014%); highest among the groups gnomAD compares: African/African-American, 0.0015%; no homozygotes.

Submission:

Labcorp Genetics (formerly Invitae), Labcorp
Classification: Uncertain significance for Developmental and epileptic encephalopathy, 31A. Last evaluated: 2024-08-13. Review status: criteria provided, single submitter. Criteria: Invitae Variant Classification Sherloc (09022015). Collection method: clinical testing. Allele origin: germline.
Comment: This sequence change replaces arginine, which is basic and polar, with glutamine, which is neutral and polar, at codon 784 of the DNM1 protein (p.Arg784Gln). This variant is not present in population databases (gnomAD no frequency). This variant has not been reported in the literature in individuals affected with DNM1-related conditions. Invitae Evidence Modeling of protein sequence and biophysical properties (such as structural, functional, and spatial information, amino acid conservation, physicochemical variation, residue mobility, and thermodynamic stability) has been performed for this missense variant. However, the output from this modeling did not meet the statistical confidence thresholds required to predict the impact of this variant on DNM1 protein function. In summary, the available evidence is currently insufficient to determine the role of this variant in disease. Therefore, it has been classified as a Variant of Uncertain Significance.